The following is an entry in ClinVar:

ClinVar aggregate classification (germline): Conflicting classifications of pathogenicity. Review status: criteria provided, conflicting classifications (1 of 4 stars). 12 submissions from 12 submitters: Pathogenic (2); Likely pathogenic (5); Uncertain significance (1). 4 of the submissions do not count toward it. Last evaluated 2026-01-29.

Conditions:
TMEM67-related disorder. Also called: TMEM67-related condition; TMEM67-related disorders. Identifiers: MedGen CN239423.
Joubert syndrome and related disorders. Identifiers: Orphanet 140874, MedGen C5679612, MONDO:0015369.
Joubert syndrome. Also called: Familial aplasia of the vermis; JOUBERT-BOLTSHAUSER SYNDROME. Identifiers: Orphanet 475, MedGen C5979921, MONDO:0018772.
Meckel-Gruber syndrome. Also called: Dysencephalia splachnocystica; DYSENCEPHALIA SPLANCHNOCYSTICA; GRUBER SYNDROME. Identifiers: Orphanet 564, MedGen C0265215, MONDO:0018921.
Joubert syndrome 6 (JBTS6). Identifiers: Orphanet 475, MedGen C1853153, MONDO:0012539, OMIM 610688.
Meckel syndrome, type 3 (MKS3). Also called: MECKEL-GRUBER SYNDROME, TYPE 3. Identifiers: Orphanet 564, MedGen C1846357, MONDO:0011821, OMIM 607361.

Allele frequency attached by ClinVar (database versions not stated): gnomAD 0.00003 and 0.00004; TOPMed 0.00003; ExAC 0.00005; gnomAD exomes 0.00006 and 0.00008; 1000 Genomes Project 30x 0.00031; 1000 Genomes Project 0.00040.
gnomAD v4.1: 117 of 1,605,100 alleles (0.0073%); highest among the groups gnomAD compares: Non-Finnish European, 0.0092%; no homozygotes.

Submissions (12):

PreventionGenetics, part of Exact Sciences
Classification: Pathogenic for TMEM67-related condition. Last evaluated: 2026-01-29. Review status: criteria provided, single submitter. Criteria: ACMG Guidelines, 2015. Collection method: clinical testing. Allele origin: germline.
Comment: The TMEM67 c.651+2T>G variant is predicted to disrupt the GT donor site and interfere with normal splicing. This variant has been reported in individuals with Joubert syndrome and Meckel-Gruber syndrome (Baala et al. 2007. PubMed ID: 17160906; Khaddour et al. 2007. PubMed ID: 17397051). This variant is reported in 0.011% of alleles in individuals of European (Non-Finnish) descent in gnomAD. Variants that disrupt the consensus splice donor site in TMEM67 are expected to be pathogenic. Given the evidence, we interpret this variant as pathogenic.

Labcorp Genetics (formerly Invitae), Labcorp
Classification: Pathogenic for Joubert syndrome; Meckel-Gruber syndrome. Last evaluated: 2025-02-10. Review status: criteria provided, single submitter. Criteria: Invitae Variant Classification Sherloc (09022015). Collection method: clinical testing. Allele origin: germline.
Comment: This sequence change affects a donor splice site in intron 6 of the TMEM67 gene. It is expected to disrupt RNA splicing. Variants that disrupt the donor or acceptor splice site typically lead to a loss of protein function (PMID: 16199547), and loss-of-function variants in TMEM67 are known to be pathogenic (PMID: 20232449, 23559409). This variant is present in population databases (rs199821258, gnomAD 0.01%). Disruption of this splice site has been observed in individual(s) with Joubert syndrome (PMID: 17160906). ClinVar contains an entry for this variant (Variation ID: 1373). Algorithms developed to predict the effect of sequence changes on RNA splicing suggest that this variant may disrupt the consensus splice site. For these reasons, this variant has been classified as Pathogenic.

Blueprint Genetics
Classification: Likely pathogenic for TMEM67-related disorders. Last evaluated: 2024-06-04. Review status: criteria provided, single submitter. Criteria: ACMG Guidelines, 2015. Collection method: clinical testing. Allele origin: germline. Affected: yes. Observed: 5 variant alleles.

GeneDx
Classification: Likely pathogenic. Last evaluated: 2024-05-29. Review status: criteria provided, single submitter. Criteria: GeneDx Variant Classification Process June 2021. Collection method: clinical testing. Allele origin: germline. Affected: yes.
Comment: Canonical splice site variant predicted to result in an in-frame loss of the adjacent exon in a gene for which loss of function is a known mechanism of disease; Not observed at significant frequency in large population cohorts (gnomAD); This variant is associated with the following publications: (PMID: 25525159, 31589614, 16541367, 17160906, 17397051, 19466712, 36090483)

Genetic Services Laboratory, University of Chicago
Classification: Likely pathogenic. Last evaluated: 2023-05-30. Review status: criteria provided, single submitter. Criteria: ACMG Guidelines, 2015. Collection method: clinical testing. Allele origin: germline. Affected: yes.
Comment: DNA sequence analysis of the TMEM67 gene demonstrated a sequence change located in the canonical splice donor site in intron 6, c.651+2T>G. This sequence change has been previously described in an individual with severe renal disease, and was identified to be in trans with another likely pathogenic variant in the affected individual (PMID: 35005812). This sequence change has been described in the gnomAD database with a frequency of 0.006% in the overall population (dbSNP rs199821258). Based on in-silico splice prediction programs, this sequence change likely affects normal splicing of the TMEM67 gene, which would result in an abnormal protein, however functional studies have not been performed to prove this conclusively. These collective evidences indicate that this sequence change is likely pathogenic.

Women's Health and Genetics/Laboratory Corporation of America, LabCorp
Classification: Likely pathogenic for Joubert syndrome and related disorders. Last evaluated: 2022-07-18. Review status: criteria provided, single submitter. Criteria: LabCorp Variant Classification Summary - May 2015. Collection method: clinical testing. Allele origin: germline.
Comment: Variant summary: TMEM67 c.651+2T>G is located in a canonical splice-site and is predicted to affect mRNA splicing resulting in a significantly altered protein due to either exon skipping, shortening, or inclusion of intronic material. Several computational tools predict a significant impact on normal splicing: three predict the variant abolishes the canonical 5' splicing donor site. However, these predictions have yet to be confirmed by functional studies. The variant allele was found at a frequency of 5.6e-05 in 251174 control chromosomes (gnomAD). This frequency is not higher than the estimated maximum expected for a pathogenic variant in TMEM67 causing Joubert Syndrome and Related Disorders (0.0018), allowing no conclusion about variant significance. c.651+2T>G has been reported in the literature in individuals affected with Joubert Syndrome and Meckel syndrome (Baala_2007 and Khaddour_2007). Three clinical diagnostic laboratories have submitted clinical-significance assessments for this variant to ClinVar after 2014 and classified the variant as VUS (n=1), likely pathogenic (n=1) and pathogenic (n=1). Based on the evidence outlined above, the variant was classified as likely pathogenic.

Revvity Omics, Revvity
Classification: Likely pathogenic. Last evaluated: 2021-10-02. Review status: criteria provided, single submitter. Criteria: ACMG Guidelines, 2015. Collection method: clinical testing. Allele origin: germline.

Institute of Human Genetics, University of Leipzig Medical Center
Classification: Uncertain significance for Meckel syndrome, type 3. Last evaluated: 2017-04-21. Review status: criteria provided, single submitter. Criteria: ACMG Guidelines, 2015. Collection method: clinical testing. Allele origin: germline. Affected: yes. Observed: 1 variant allele.

OMIM
Classification: Pathogenic for JOUBERT SYNDROME 6. Last evaluated: 2007-01-01. Review status: no assertion criteria provided. Collection method: literature only. Allele origin: germline. Not counted in ClinVar's aggregate classification.

Clinical Genetics, Academic Medical Center
Classification: Likely pathogenic. Review status: no assertion criteria provided. Collection method: clinical testing. Allele origin: germline. Affected: yes. Study: VKGL Data-share Consensus. Not counted in ClinVar's aggregate classification.

Diagnostic Laboratory, Department of Genetics, University Medical Center Groningen
Classification: Pathogenic. Review status: no assertion criteria provided. Collection method: clinical testing. Allele origin: germline. Affected: yes. Study: VKGL Data-share Consensus. Not counted in ClinVar's aggregate classification.

Juha Muilu Group; Institute for Molecular Medicine Finland (FIMM)
Classification: Likely pathogenic for Meckel syndrome type 3. Review status: no assertion criteria provided. Collection method: not provided. Allele origin: unknown. Not counted in ClinVar's aggregate classification.
Comment: FinDis database variant: This variant was not found or characterized by our laboratory, data were collected from public sources: see reference
ClinVar note: Converted during submission from probable-pathogenic to Likely pathogenic.

Literature cited by the submitters: PubMed 16199547 (cited by Labcorp Genetics (formerly Invitae), Labcorp); PubMed 20232449 (cited by Labcorp Genetics (formerly Invitae), Labcorp); PubMed 23559409 (cited by Labcorp Genetics (formerly Invitae), Labcorp); PubMed 17160906 (cited by 3 submitters); PubMed 17397051 (cited by Women's Health and Genetics/Laboratory Corporation of America, LabCorp); PubMed 19466712 (cited by Women's Health and Genetics/Laboratory Corporation of America, LabCorp); PubMed 19508969 (cited by Women's Health and Genetics/Laboratory Corporation of America, LabCorp); PubMed 16541367 (cited by OMIM).

NM_153704.6(TMEM67):c.651+2T>G

Gene: TMEM67 (transmembrane protein 67; plus strand). Cytogenetic location: 8q22.1.
Variant type: single nucleotide variant.
Coding change: c.651+2T>G on transcript NM_153704.6 (MANE Select); the canonical splice donor site of the intron after coding-DNA position 651, T replaced by G.
Molecular consequence: splice donor variant.
Genome position (GRCh38, 1-based): chr8:93,765,648, T>G. VCF-style: chr8-93765648-T-G. GRCh37 (hg19) VCF-style: chr8-94777876-T-G.
Other names: IVS6+2T-G; c.408+2T>G (NM_001142301.1).
Identifiers: ClinVar variation 1373 (VCV000001373.23), dbSNP rs199821258, ClinGen allele CA213073.
Genomic context (GRCh38, chr8:93,765,648, plus strand): 5'-TCAGCAGCACAGGGAATTTTCCTCTACGTAGAATTTCAGCTGCACGTTATGGAGAAGTTG[T>G]GAGTATGTTTCAATTTTTTTGTTCTGTTGTTAAAAAACTTTCTACATTTCATCCATTAGT-3'